The following is an entry in ClinVar:

NM_014476.6(PDLIM3):c.657G>T (p.Leu219Phe)

Gene: PDLIM3 (PDZ and LIM domain 3; minus strand). Cytogenetic location: 4q35.1.
Variant type: single nucleotide variant.
Coding change: c.657G>T on transcript NM_014476.6 (MANE Select); coding-DNA position 657, G replaced by T.
Protein change: p.Leu219Phe; replaces leucine 219 with phenylalanine.
Molecular consequence: missense variant. On other transcripts: intron variant (3).
Genome position (GRCh38, 1-based): chr4:185,508,304, C>A on the plus strand (G>T on the coding strand, the complement: PDLIM3 is on the minus strand). VCF-style: chr4-185508304-C-A. GRCh37 (hg19) VCF-style: chr4-186429458-C-A.
Other names: c.162-1652G>T (NM_001257963.2); c.399-1652G>T (NM_001257962.2); c.519-1652G>T (NM_001114107.5); short protein forms L219F.
Identifiers: ClinVar variation 575173 (VCV000575173.13), dbSNP rs1561192175, ClinGen allele CA358923490.

ClinVar aggregate classification (germline): Uncertain significance. Review status: criteria provided, multiple submitters, no conflicts (2 of 4 stars). 2 submissions from 2 submitters: Uncertain significance (2). Last evaluated 2022-03-09.

Conditions:
Primary dilated cardiomyopathy (DCM). Also called: Dilated Cardiomyopathy. Identifiers: Orphanet 217604, MedGen C0007193, MeSH D002311, MONDO:0005021, HP:0001644. Inheritance: Various modes of inheritance.
Hypertrophic cardiomyopathy. Also called: HYPERTROPHIC MYOCARDIOPATHY. Identifiers: Orphanet 217569, MedGen C0007194, MeSH D002312, MONDO:0005045, HP:0001639.

Allele frequency attached by ClinVar (database versions not stated): gnomAD exomes below 0.00001.
gnomAD v4.1: 1 of 1,613,994 alleles (0.000062%); highest among the groups gnomAD compares: Non-Finnish European, 0.000085%; no homozygotes.

Submissions (2):

Labcorp Genetics (formerly Invitae), Labcorp
Classification: Uncertain significance for Hypertrophic cardiomyopathy; Primary dilated cardiomyopathy. Last evaluated: 2022-03-09. Review status: criteria provided, single submitter. Criteria: Invitae Variant Classification Sherloc (09022015). Collection method: clinical testing. Allele origin: germline.
Comment: This sequence change replaces leucine, which is neutral and non-polar, with phenylalanine, which is neutral and non-polar, at codon 219 of the PDLIM3 protein (p.Leu219Phe). This variant is not present in population databases (gnomAD no frequency). In summary, the available evidence is currently insufficient to determine the role of this variant in disease. Therefore, it has been classified as a Variant of Uncertain Significance. Algorithms developed to predict the effect of missense changes on protein structure and function (SIFT, PolyPhen-2, Align-GVGD) all suggest that this variant is likely to be tolerated. ClinVar contains an entry for this variant (Variation ID: 575173). This variant has not been reported in the literature in individuals affected with PDLIM3-related conditions.

Ambry Genetics
Classification: Uncertain significance. Last evaluated: 2021-07-12. Review status: criteria provided, single submitter. Criteria: Ambry Variant Classification Scheme 2023. Collection method: clinical testing. Allele origin: germline.
Comment: The p.L219F variant (also known as c.657G>T), located in coding exon 5 of the PDLIM3 gene, results from a G to T substitution at nucleotide position 657. The leucine at codon 219 is replaced by phenylalanine, an amino acid with highly similar properties. This amino acid position is conserved. In addition, this alteration is predicted to be tolerated by in silico analysis. Since supporting evidence is limited at this time, the clinical significance of this alteration remains unclear.